The following is an entry in ClinVar:

ClinVar aggregate classification (germline): Uncertain significance (1 of 4 stars; one submission).

Conditions:
Autosomal dominant childhood-onset proximal spinal muscular atrophy with contractures (SMALED2A). Also called: SPINAL MUSCULAR ATROPHY, LOWER EXTREMITY-PREDOMINANT, 2A, CHILDHOOD ONSET, AUTOSOMAL DOMINANT; Spinal muscular atrophy, lower extremity-predominant, 2A, autosomal dominant. Identifiers: Orphanet 363447, Orphanet 363454, MedGen C4747715, MONDO:0014121, OMIM 615290.

Submission:

Labcorp Genetics (formerly Invitae), Labcorp
Classification: Uncertain significance for Autosomal dominant childhood-onset proximal spinal muscular atrophy with contractures. Last evaluated: 2022-03-20. Review status: criteria provided, single submitter. Criteria: Invitae Variant Classification Sherloc (09022015). Collection method: clinical testing. Allele origin: germline.
Comment: This variant, c.964_966del, results in the deletion of 1 amino acid(s) of the BICD2 protein (p.Lys322del), but otherwise preserves the integrity of the reading frame. This variant is not present in population databases (gnomAD no frequency). In summary, the available evidence is currently insufficient to determine the role of this variant in disease. Therefore, it has been classified as a Variant of Uncertain Significance. Experimental studies and prediction algorithms are not available or were not evaluated, and the functional significance of this variant is currently unknown. This variant has not been reported in the literature in individuals affected with BICD2-related conditions.

NM_001003800.2(BICD2):c.961AAG[1] (p.Lys322del)

Gene: BICD2 (BICD cargo adaptor 2; minus strand). Cytogenetic location: 9q22.31.
Variant type: Microsatellite.
Coding change: c.961AAG[1] on transcript NM_001003800.2 (MANE Select); one copy of the 3-base unit AAG starting at c.961; the reference has two copies in a row; one copy, 3 bases deleted.
Protein change: p.Lys322del; deletes lysine 322.
Molecular consequence: inframe deletion.
Genome position (GRCh38, 1-based): chr9:92,720,396-92,720,398, CTT deleted on the plus strand (AAG on the coding strand, the reverse complement: BICD2 is on the minus strand); deleting any 3 consecutive bases within chr9:92,720,396-92,720,401 gives the same sequence; the position shown is the placement nearest the transcript's 3' end. VCF-style (leftmost placement, unchanged base first): chr9-92720395-CCTT-C. GRCh37 (hg19) VCF-style: chr9-95482677-CCTT-C.
Other names: c.961AAG[1], p.Lys322del (NM_015250.4); short protein forms K322del.
Identifiers: ClinVar variation 2094510 (VCV002094510.4), dbSNP rs2490451176, ClinGen allele CA2580616230.